The following is an entry in ClinVar:

NM_031935.3(HMCN1):c.1628T>A (p.Ile543Asn)

Gene: HMCN1 (hemicentin 1; plus strand). Cytogenetic location: 1q31.1.
Variant type: single nucleotide variant.
Coding change: c.1628T>A on transcript NM_031935.3 (MANE Select); coding-DNA position 1628, T replaced by A.
Protein change: p.Ile543Asn; replaces isoleucine 543 with asparagine.
Molecular consequence: missense variant.
Genome position (GRCh38, 1-based): chr1:185,933,624, T>A. VCF-style: chr1-185933624-T-A. GRCh37 (hg19) VCF-style: chr1-185902756-T-A.
Other names: short protein forms I543N.
Identifiers: ClinVar variation 2760998 (VCV002760998.3), dbSNP rs774672660, ClinGen allele CA343866975.
Genomic context (GRCh38, chr1:185,933,624, plus strand): 5'-TCCAAGTGCCTAACAATGTTACAGTCACTCCTGGAGAGAGAGCAGTTTTAACATGTCTCA[T>A]CATCAGTGCGGTGGATTACAATCTAACCTGGCAGAGGAATGACAGAGATGTCAGACTGGC-3'
Protein context (NP_114141.2, residues 533-553): PGERAVLTCL[Ile543Asn]ISAVDYNLTW

ClinVar aggregate classification (germline): Uncertain significance (1 of 4 stars; one submission).

Submission:

Labcorp Genetics (formerly Invitae), Labcorp
Classification: Uncertain significance. Last evaluated: 2024-03-31. Review status: criteria provided, single submitter. Criteria: Invitae Variant Classification Sherloc (09022015). Collection method: clinical testing. Allele origin: germline.
Comment: This sequence change replaces isoleucine, which is neutral and non-polar, with asparagine, which is neutral and polar, at codon 543 of the HMCN1 protein (p.Ile543Asn). This variant is not present in population databases (gnomAD no frequency). This variant has not been reported in the literature in individuals affected with HMCN1-related conditions. An algorithm developed to predict the effect of missense changes on protein structure and function (PolyPhen-2) suggests that this variant is likely to be disruptive. In summary, the available evidence is currently insufficient to determine the role of this variant in disease. Therefore, it has been classified as a Variant of Uncertain Significance.